The following is an entry in ClinVar:

ClinVar aggregate classification (germline): Benign/Likely benign. Review status: criteria provided, multiple submitters, no conflicts (2 of 4 stars). 3 submissions from 3 submitters: Benign (1); Likely benign (2). Last evaluated 2026-09-01.

Allele frequency attached by ClinVar (database versions not stated): 1000 Genomes Project 30x 0.00047; TOPMed 0.00061; gnomAD exomes 0.00076 and 0.00107; ExAC 0.00094; gnomAD 0.00141 and 0.00147.
gnomAD v4.1: 1,176 of 1,415,782 alleles (0.083%); highest among the groups gnomAD compares: Non-Finnish European, 0.083%; 3 homozygotes.

Submissions (3):

CeGaT Center for Human Genetics Tuebingen
Classification: Likely benign. Last evaluated: 2026-09-01. Review status: criteria provided, single submitter. Criteria: CeGaT Center For Human Genetics Tuebingen Variant Classification Criteria Version 2. Collection method: clinical testing. Allele origin: germline. Affected: yes. Observed: 2 variant alleles.
Comment: YAP1: BP4, BP7

Labcorp Genetics (formerly Invitae), Labcorp
Classification: Benign. Last evaluated: 2025-11-18. Review status: criteria provided, single submitter. Criteria: Invitae Variant Classification Sherloc (09022015). Collection method: clinical testing. Allele origin: germline.

Blueprint Genetics
Classification: Likely benign. Last evaluated: 2024-11-23. Review status: criteria provided, single submitter. Criteria: ACMG Guidelines, 2015. Collection method: clinical testing. Allele origin: germline.

NM_001130145.3(YAP1):c.21G>A (p.Pro7=)

Gene: YAP1 (Yes1 associated transcriptional regulator; plus strand). Cytogenetic location: 11q22.1.
Variant type: single nucleotide variant.
Coding change: c.21G>A on transcript NM_001130145.3 (MANE Select); coding-DNA position 21, G replaced by A.
Protein change: p.Pro7=; no amino-acid change (proline 7 retained).
Molecular consequence: synonymous variant.
Genome position (GRCh38, 1-based): chr11:102,110,869, G>A. VCF-style: chr11-102110869-G-A. GRCh37 (hg19) VCF-style: chr11-101981600-G-A.
Other names: c.21G>A, p.Pro7= (NM_001195044.2, NM_001282097.2, NM_001282098.2 and 4 more transcripts).
Identifiers: ClinVar variation 711380 (VCV000711380.10), dbSNP rs775598673, ClinGen allele CA6246143.